The following is an entry in ClinVar:

ClinVar aggregate classification (germline): Uncertain significance (1 of 4 stars; one submission).

Submission:

Labcorp Genetics (formerly Invitae), Labcorp
Classification: Uncertain significance. Last evaluated: 2024-03-30. Review status: criteria provided, single submitter. Criteria: Invitae Variant Classification Sherloc (09022015). Collection method: clinical testing. Allele origin: germline.
Comment: This sequence change replaces glutamine, which is neutral and polar, with proline, which is neutral and non-polar, at codon 415 of the RP1 protein (p.Gln415Pro). This variant is not present in population databases (gnomAD no frequency). This variant has not been reported in the literature in individuals affected with RP1-related conditions. An algorithm developed to predict the effect of missense changes on protein structure and function (PolyPhen-2) suggests that this variant is likely to be disruptive. In summary, the available evidence is currently insufficient to determine the role of this variant in disease. Therefore, it has been classified as a Variant of Uncertain Significance.

NM_006269.2(RP1):c.1244A>C (p.Gln415Pro)

Gene: RP1 (RP1 axonemal microtubule associated; plus strand). Cytogenetic location: 8q12.1.
Variant type: single nucleotide variant.
Coding change: c.1244A>C on transcript NM_006269.2 (MANE Select); coding-DNA position 1244, A replaced by C.
Protein change: p.Gln415Pro; replaces glutamine 415 with proline.
Molecular consequence: missense variant. On other transcripts: intron variant (1).
Genome position (GRCh38, 1-based): chr8:54,625,126, A>C. VCF-style: chr8-54625126-A-C. GRCh37 (hg19) VCF-style: chr8-55537686-A-C.
Other names: c.787+2838A>C (NM_001375654.1); short protein forms Q415P.
Identifiers: ClinVar variation 3688107 (VCV003688107.2).
Genomic context (GRCh38, chr8:54,625,126, plus strand): 5'-AGCGAAGCAGTAATCAAGAGGGCAGTTTGGCAGAGGAGATAAACATTCAAATGACAGATC[A>C]AGTGGCTGAAACTTGCAGTTCTGCTAGTTGGGAGAATGCTACTGTGGACACAGATATCAT-3'
Protein context (NP_006260.1, residues 405-425): AEEINIQMTD[Gln415Pro]VAETCSSASW